The following is an entry in ClinVar:

ClinVar aggregate classification (germline): Conflicting classifications of pathogenicity. Review status: criteria provided, conflicting classifications (1 of 4 stars). 2 submissions from 2 submitters: Uncertain significance (1); Likely benign (1). Last evaluated 2019-09-25.

Conditions:
Cardiovascular phenotype. Identifiers: MedGen CN230736.

gnomAD v4.1: 6 of 1,613,288 alleles (0.00037%); highest among the groups gnomAD compares: Non-Finnish European, 0.00042%; no homozygotes.

Submissions (2):

Ambry Genetics
Classification: Uncertain significance for Cardiovascular phenotype. Last evaluated: 2019-09-25. Review status: criteria provided, single submitter. Criteria: Ambry Variant Classification Scheme 2023. Collection method: clinical testing. Allele origin: germline.
Comment: The p.V10924I variant (also known as c.32770G>A), located in coding exon 130 of the TTN gene, results from a G to A substitution at nucleotide position 32770. The valine at codon 10924 is replaced by isoleucine, an amino acid with highly similar properties. This amino acid position is well conserved in available vertebrate species. In addition, this alteration is predicted to be tolerated by in silico analysis. Since supporting evidence is limited at this time, the clinical significance of this alteration remains unclear.

GeneDx
Classification: Likely benign. Last evaluated: 2018-06-07. Review status: criteria provided, single submitter. Criteria: GeneDx Variant Classification (06012015). Collection method: clinical testing. Allele origin: germline. Affected: yes.
Comment: This variant is considered likely benign or benign based on one or more of the following criteria: it is a conservative change, it occurs at a poorly conserved position in the protein, it is predicted to be benign by multiple in silico algorithms, and/or has population frequency not consistent with disease.

NM_001267550.2(TTN):c.59965G>A (p.Val19989Ile)

Genes: TTN-AS1 (TTN antisense RNA 1; plus strand), TTN (titin; minus strand), LOC126806424 (CDK7 strongly-dependent group 2 enhancer GRCh37_chr2:179456337-179457536; plus strand). Cytogenetic location: 2q31.2.
Variant type: single nucleotide variant.
Coding change: c.59965G>A on transcript NM_001267550.2 (MANE Select); coding-DNA position 59965, G replaced by A.
Protein change: p.Val19989Ile; replaces valine 19989 with isoleucine.
Molecular consequence: missense variant.
Genome position (GRCh38, 1-based): chr2:178,591,854, C>T on the plus strand (G>A on the coding strand, the complement: TTN is on the minus strand). VCF-style: chr2-178591854-C-T. GRCh37 (hg19) VCF-style: chr2-179456581-C-T.
Other names: c.55042G>A, p.Val18348Ile (NM_001256850.1); c.32770G>A, p.Val10924Ile (NM_003319.4); c.52261G>A, p.Val17421Ile (NM_133378.4); c.33145G>A, p.Val11049Ile (NM_133432.3); c.33346G>A, p.Val11116Ile (NM_133437.4); short protein forms V10924I, V11049I, V11116I, V17421I, V18348I, V19989I.
Identifiers: ClinVar variation 671939 (VCV000671939.3), dbSNP rs1021499065, ClinGen allele CA60970192.